The following is an entry in ClinVar:

NM_017755.6(NSUN2):c.1478del (p.Asn493fs)

Gene: NSUN2 (NOP2/Sun RNA methyltransferase 2; minus strand). Cytogenetic location: 5p15.31.
Variant type: Deletion.
Coding change: c.1478del on transcript NM_017755.6 (MANE Select); coding-DNA position 1478, one base deleted (A; older notation c.1478delA).
Protein change: p.Asn493fs; shifts the reading frame from asparagine 493.
Molecular consequence: frameshift variant. On other transcripts: non-coding transcript variant (1).
Genome position (GRCh38, 1-based): chr5:6,607,230, T deleted on the plus strand (A on the coding strand, the reverse complement: NSUN2 is on the minus strand); the first of 2 consecutive T bases (chr5:6,607,230-6,607,231); deleting either gives the same sequence. VCF-style (leftmost placement, unchanged base first): chr5-6607229-AT-A. GRCh37 (hg19) VCF-style: chr5-6607342-AT-A.
Other names: c.1373del, p.Asn458fs (NM_001193455.2); short protein forms N458fs, N493fs.
Identifiers: ClinVar variation 4080641 (VCV004080641.4).
Genomic context (GRCh38, chr5:6,607,229, plus strand): 5'-TATTAGATCAAGACATAACCACTTTTCTTACCCACACACGCCATCTTTCTTACTGCCATT[AT>A]TCTCTAAATCCTCAGTTGCATGAGCTATTTCTGTGTCACCAGTTCCTGTGAATGACGGAC-3'

ClinVar aggregate classification (germline): Pathogenic. Review status: criteria provided, multiple submitters, no conflicts (2 of 4 stars). 4 submissions from 4 submitters: Pathogenic (4). Last evaluated 2025-09-10.

Conditions:
Phenylketonuria (PKU). Also called: FOLLING DISEASE; OLIGOPHRENIA PHENYLPYRUVICA; Phenylketonurias; Phenylketonuria (PKU). Identifiers: Orphanet 716, MedGen C0031485, MONDO:0009861, OMIM 261600. Disease mechanism: loss of function.
Intellectual developmental disorder, autosomal recessive 5. Also called: Intellectual disability, autosomal recessive 5. Identifiers: Orphanet 88616, MedGen C1970199, MONDO:0012613, OMIM 611091.
NSUN2-related disorders.

Submissions (4):

Genomic Medicine Center of Excellence, King Faisal Specialist Hospital and Research Centre
Classification: Pathogenic for Phenylketonuria. Last evaluated: 2025-09-10. Review status: criteria provided, single submitter. Criteria: ACMG Guidelines, 2015. Collection method: clinical testing. Allele origin: germline.

3billion
Classification: Pathogenic for Intellectual developmental disorder, autosomal recessive 5. Last evaluated: 2025-07-27. Review status: criteria provided, single submitter. Criteria: ACMG Guidelines, 2015. Collection method: clinical testing. Allele origin: germline. Affected: yes.
Comment: The variant is not observed in the gnomAD v4.1.0 dataset. Predicted Consequence/Location: Frameshift: predicted to result in a loss or disruption of normal protein function through nonsense-mediated decay (NMD) or protein truncation. Multiple pathogenic variants are reported downstream of the variant. The variant has been reported to be in trans with a pathogenic variant as either compound heterozygous or homozygous in at least one similarly affected unrelated individual (PMID: 30214071). The variant has been reported to be associated with NSUN2-related disorder (PMID: 30214071 /3billion dataset). Therefore, this variant is classified as Pathogenic according to the recommendation of ACMG/AMP guideline.

Revvity Omics, Revvity
Classification: Pathogenic for Intellectual developmental disorder, autosomal recessive 5. Last evaluated: 2024-08-29. Review status: criteria provided, single submitter. Criteria: ACMG Guidelines, 2015. Collection method: clinical testing. Allele origin: germline.

Blueprint Genetics
Classification: Pathogenic for NSUN2-related disorders. Last evaluated: 2021-11-23. Review status: criteria provided, single submitter. Criteria: ACMG Guidelines, 2015. Collection method: clinical testing. Allele origin: germline. Affected: yes. Observed: 4 variant alleles.

Literature cited by the submitters: PubMed 30214071 (cited by 3billion).